The following is an entry in ClinVar:

NM_001355436.2(SPTB):c.301-8_301-7insGG

Gene: SPTB (spectrin beta, erythrocytic; minus strand). Cytogenetic location: 14q23.3.
Variant type: Insertion.
Coding change: c.301-8_301-7insGG on transcript NM_001355436.2 (MANE Select); 8 bases into the intron before coding-DNA position 301 through 7 bases into the intron before coding-DNA position 301, GG inserted.
Molecular consequence: intron variant.
Genome position: GRCh38 VCF-style: chr14-64803787-G-GCC. GRCh37 (hg19) VCF-style: chr14-65270505-G-GCC.
Other names: c.301-8_301-7insGG (NM_001024858.4, NM_001355437.2).
Identifiers: ClinVar variation 3040190 (VCV003040190.2), dbSNP rs2503221165, ClinGen allele CA2740097105.

ClinVar aggregate classification (germline): Likely benign (0 of 4 stars; one submission).

Conditions:
SPTB-related disorder. Also called: SPTB-related condition; SPTB-Related Disorders.

Submission:

PreventionGenetics, part of Exact Sciences
Classification: Likely benign for SPTB-related condition. Last evaluated: 2019-12-06. Review status: no assertion criteria provided. Collection method: clinical testing. Allele origin: germline.
Comment: This variant is classified as likely benign based on ACMG/AMP sequence variant interpretation guidelines (Richards et al. 2015 PMID: 25741868, with internal and published modifications).